The following is an entry in ClinVar:

NM_001113378.2(FANCI):c.2509G>T (p.Glu837Ter)

Gene: FANCI (FA complementation group I; plus strand). Cytogenetic location: 15q26.1.
Variant type: single nucleotide variant.
Coding change: c.2509G>T on transcript NM_001113378.2 (MANE Select); coding-DNA position 2509, G replaced by T.
Protein change: p.Glu837Ter; replaces glutamic acid 837 with a stop codon.
Molecular consequence: nonsense. On other transcripts: intron variant (1).
Genome position (GRCh38, 1-based): chr15:89,294,967, G>T. VCF-style: chr15-89294967-G-T. GRCh37 (hg19) VCF-style: chr15-89838198-G-T.
Other names: c.2230G>T, p.Glu744Ter (NM_001376910.1); c.2509G>T, p.Glu837Ter (NM_001376911.1); c.2456+970G>T (NM_018193.3); short protein forms E837*, E744*.
Identifiers: ClinVar variation 631743 (VCV000631743.13), dbSNP rs748000458, ClinGen allele CA7723401.

ClinVar aggregate classification (germline): Pathogenic/Likely pathogenic. Review status: criteria provided, multiple submitters, no conflicts (2 of 4 stars). 5 submissions from 5 submitters: Pathogenic (3); Likely pathogenic (1). 1 of the submissions does not count toward it. Last evaluated 2025-10-02.

Conditions:
Fanconi anemia (FA). Also called: Fanconi's anemia. Identifiers: Orphanet 84, MedGen C0015625, MeSH D005199, MONDO:0019391.
Fanconi anemia complementation group I (FANCI). Also called: FANCI-Related Fanconi Anemia. Identifiers: Orphanet 84, MedGen C1836861, MONDO:0012186, OMIM 609053.

Allele frequency attached by ClinVar (database versions not stated): TOPMed 0.00001; gnomAD 0.00001; gnomAD exomes 0.00001; ExAC 0.00004.
gnomAD v4.1: 11 of 1,552,186 alleles (0.00071%); highest among the groups gnomAD compares: Non-Finnish European, 0.00096%; no homozygotes.

Submissions (5):

Labcorp Genetics (formerly Invitae), Labcorp
Classification: Pathogenic for Fanconi anemia. Last evaluated: 2025-10-02. Review status: criteria provided, single submitter. Criteria: Invitae Variant Classification Sherloc (09022015). Collection method: clinical testing. Allele origin: germline.
Comment: This sequence change creates a premature translational stop signal (p.Glu837*) in the FANCI gene. It is expected to result in an absent or disrupted protein product. Loss-of-function variants in FANCI are known to be pathogenic (PMID: 17452773, 17460694). This variant is present in population databases (rs748000458, gnomAD 0.002%). This premature translational stop signal has been observed in individual(s) with Fanconi anemia (PMID: 17460694). ClinVar contains an entry for this variant (Variation ID: 631743). For these reasons, this variant has been classified as Pathogenic.

GeneDx
Classification: Pathogenic. Last evaluated: 2025-03-19. Review status: criteria provided, single submitter. Criteria: GeneDx Variant Classification Process June 2021. Collection method: clinical testing. Allele origin: germline.
Comment: Nonsense variant predicted to result in protein truncation or nonsense mediated decay in a gene for which loss of function is a known mechanism of disease; Not observed at significant frequency in large population cohorts (gnomAD); This variant is associated with the following publications: (PMID: 25525159, 29625052, 35929646, 21324748, 17924555, 17460694, 35417938, 36451132)

Baylor Genetics
Classification: Pathogenic for Fanconi anemia complementation group I. Last evaluated: 2024-02-14. Review status: criteria provided, single submitter. Criteria: ACMG Guidelines, 2015. Collection method: clinical testing. Allele origin: unknown.

Illumina Laboratory Services, Illumina
Classification: Likely pathogenic for Fanconi anemia complementation group I. Last evaluated: 2018-12-12. Review status: criteria provided, single submitter. Criteria: ICSL Variant Classification Criteria 09 May 2019. Collection method: clinical testing. Allele origin: germline.
Comment: The FANCI c.2509G>T (p.Glu837Ter) variant is a stop-gained variant. The p.Glu837Ter variant has been reported in three studies, in three individuals with Fanconi anemia. In two cases, the variant was found in a compound heterozygous state, in trans with either a frameshift variant or a missense variant (Sims et al. 2007; Rechitsky et al. 2011). A third affected individual harbored the p.Glu837Ter variant in a heterozygous state and a second variant was not found (Ameziane et al. 2008). The p.Glu837Ter variant is reported at a frequency of 0.000100 of the European (non-Finnish) population from the Exome Aggregation Consortium but this is based on one allele so the variant is presumed to be rare. Based on the evidence and due to the potential impact of stop-gained variants, the p.Glu837Ter variant is classified as likely pathogenic for Fanconi anemia. This variant was observed by ICSL as part of a predisposition screen in an ostensibly healthy population.

Leiden Open Variation Database
Classification: Pathogenic for Fanconi anemia complementation group I. Last evaluated: 2020-02-27. Review status: no assertion criteria provided. Collection method: curation. Allele origin: germline. Affected: yes. Not counted in ClinVar's aggregate classification.
Comment: Curator: Arleen D. Auerbach. Submitters to LOVD: Arleen D. Auerbach, Johan de Winter.

Literature cited by the submitters: PubMed 17452773 (cited by Labcorp Genetics (formerly Invitae), Labcorp); PubMed 17460694 (cited by 3 submitters); PubMed 17924555 (cited by Illumina Laboratory Services, Illumina and Leiden Open Variation Database); PubMed 21324748 (cited by Illumina Laboratory Services, Illumina).